The following is an entry in ClinVar:

ClinVar aggregate classification (germline): Pathogenic (3 of 4 stars; one submission).

Conditions:
Breast-ovarian cancer, familial, susceptibility to, 1 (BROVCA1). Also called: BRCA1 Hereditary Breast and Ovarian Cancer; OVARIAN CANCER, SUSCEPTIBILITY TO. Identifiers: Orphanet 145, MedGen C2676676, MONDO:0011450, OMIM 604370. Disease mechanism: loss of function.

Submission:

Evidence-based Network for the Interpretation of Germline Mutant Alleles (ENIGMA)
Classification: Pathogenic for Breast-ovarian cancer, familial, susceptibility to, 1. Last evaluated: 2017-12-15. Review status: reviewed by expert panel. Criteria: ENIGMA BRCA1/2 Classification Criteria (2017-06-29). Collection method: curation. Allele origin: germline. Study: ENIGMA.
Comment: Variant allele predicted to encode a truncated non-functional protein.

NM_007294.4(BRCA1):c.1441_1442insA (p.Leu481fs)

Gene: BRCA1 (BRCA1 DNA repair associated; minus strand). Cytogenetic location: 17q21.31.
Variant type: Insertion.
Coding change: c.1441_1442insA on transcript NM_007294.4 (MANE Select); coding-DNA positions 1441 to 1442, A inserted.
Protein change: p.Leu481fs; shifts the reading frame from leucine 481.
Molecular consequence: frameshift variant. On other transcripts: intron variant (137).
Genome position: GRCh38 VCF-style: chr17-43094089-A-AT. GRCh37 (hg19) VCF-style: chr17-41246106-A-AT.
Other names: c.1297_1298insA, p.Leu433fs (NM_001407843.1, NM_001407844.1, NM_001407845.1 and 20 more transcripts); c.1300_1301insA, p.Leu434fs (NM_001407850.1, NM_001407945.1, NM_007297.4 and 29 more transcripts); c.1237_1238insA, p.Leu413fs (NM_001407874.1, NM_001407875.1); c.1231_1232insA, p.Leu411fs (NM_001407879.1, NM_001407881.1, NM_001407882.1 and 13 more transcripts); c.1228_1229insA, p.Leu410fs (NM_001407915.1, NM_001407916.1, NM_001407571.1 and 9 more transcripts); c.1177_1178insA, p.Leu393fs (NM_001407927.1, NM_001407928.1, NM_001407929.1 and 9 more transcripts); c.1174_1175insA, p.Leu392fs (NM_001407930.1, NM_001407931.1, NM_001407932.1 and 2 more transcripts); c.1108_1109insA, p.Leu370fs (NM_001407946.1, NM_001407947.1, NM_001407948.1 and 6 more transcripts); and 40 more; short protein forms L434fs, L481fs, L313fs, L411fs, L414fs, L433fs, L480fs, L354fs.
Identifiers: ClinVar variation 548255 (VCV000548255.2), dbSNP rs1555591749, ClinGen allele CA658824523.
Genomic context (GRCh38, chr17:43,094,089, plus strand): 5'-TTATTTGTGAGGGGACGCTCTTGTATTATCTGTGGCTCAGTAACAAATGCTCCTATAATT[A>AT]GATTTTCAGTTACATGGCTTAAGTTGGGGAGGCTTGCCTTCTTCCGATAGGTTTTCCCAA-3'